The following is an entry in ClinVar:

ClinVar aggregate classification (germline): Pathogenic (1 of 4 stars; one submission).

Conditions:
Microcephalic osteodysplastic primordial dwarfism type II (MOPD2). Also called: Microcephalic osteodysplastic primordial dwarfism with tooth abnormalities; MOPD II; OSTEODYSPLASTIC PRIMORDIAL DWARFISM, TYPE II. Identifiers: Orphanet 2637, MedGen C0432246, MONDO:0008872, OMIM 210720.

Submission:

Victorian Clinical Genetics Services, Murdoch Childrens Research Institute
Classification: Pathogenic for Microcephalic osteodysplastic primordial dwarfism type II. Last evaluated: 2020-06-11. Review status: criteria provided, single submitter. Criteria: ACMG Guidelines, 2015. Collection method: clinical testing. Allele origin: germline. Inheritance: Autosomal recessive inheritance. Affected: no.
Comment: Based on the classification scheme VCGS_Germline_v1.1.1, this variant is classified as pathogenic. Following criteria are met: 0102 - Loss-of-function is a known mechanism of disease for this gene. (N) 0106 - This gene is known to be associated with autosomal recessive disease. (N) 0201 - Variant is predicted to cause nonsense-mediated decay (NMD) and loss of protein (exon 38 of 47). (P) 0251 - Variant is heterozygous. (N) 0301 - Variant is absent from gnomAD. (P) 0701 - Comparable variants have very strong previous evidence for pathogenicity. Many NMD predicted variants have been reported in patients with microcephalic osteodysplastic primordial dwarfism, type II (ClinVar, PMID: 32267100). (P) 0807 - Variant has not previously been reported in a clinical context. (N) 0905 - No segregation evidence has been identified for this variant. (N) 1007 - No published functional evidence has been identified for this variant. (N) 1208 - Inheritance information for this variant is not currently available. (N) Legend: (P) - Pathogenic, (N) - Neutral, (B) - Benign

Literature cited by the submitters: PubMed 32267100.

NM_006031.6(PCNT):c.8695C>T (p.Gln2899Ter)

Gene: PCNT (pericentrin; plus strand). Cytogenetic location: 21q22.3.
Variant type: single nucleotide variant.
Coding change: c.8695C>T on transcript NM_006031.6 (MANE Select); coding-DNA position 8695, C replaced by T.
Protein change: p.Gln2899Ter; replaces glutamine 2899 with a stop codon.
Molecular consequence: nonsense. On other transcripts: intron variant (1).
Genome position (GRCh38, 1-based): chr21:46,432,159, C>T. VCF-style: chr21-46432159-C-T. GRCh37 (hg19) VCF-style: chr21-47852073-C-T.
Other names: c.8160+181C>T (NM_001315529.2); short protein forms Q2899*.
Identifiers: ClinVar variation 1805459 (VCV001805459.1), dbSNP rs934324267, ClinGen allele CA410574072.
Genomic context (GRCh38, chr21:46,432,159, plus strand): 5'-CACCCACGGTTGAAAGAGCAAGAAGGACGCAAGGCTGCGAGGAGGAGCGCGGAGGCCAGG[C>T]AGAGCCCAGCGGCTGCGGAGCAGTGGAGGAAGTGGCAGAGAGACAAGGAGAAGCTGGTGA-3'